The following is an entry in ClinVar:

NM_145691.4(ATPAF2):c.480A>C (p.Pro160=)

Gene: ATPAF2 (ATP synthase mitochondrial F1 complex assembly factor 2; minus strand). Cytogenetic location: 17p11.2.
Variant type: single nucleotide variant.
Coding change: c.480A>C on transcript NM_145691.4 (MANE Select); coding-DNA position 480, A replaced by C.
Protein change: p.Pro160=; no amino-acid change (proline 160 retained).
Molecular consequence: synonymous variant.
Genome position (GRCh38, 1-based): chr17:18,024,647, T>G on the plus strand (A>C on the coding strand, the complement: ATPAF2 is on the minus strand). VCF-style: chr17-18024647-T-G. GRCh37 (hg19) VCF-style: chr17-17927961-T-G.
Identifiers: ClinVar variation 1027768 (VCV001027768.1), dbSNP rs2044519018, ClinGen allele CA498199382.
Genomic context (GRCh38, chr17:18,024,647, plus strand): 5'-GCCCAGTCAGTGCTTTCTGCAGGGCTGTACATCTTACCTTTTCTCAGCCCATTCGATGAT[T>G]GGATCCCACTCATTCCTTTGAAGTTCCACTAATGTCTCGGGCTCCTCCACCCTGTAGCTA-3'
Protein context (NP_663729.1, residues 150-170): LVELQRNEWD[Pro160=]IIEWAEKRYG

ClinVar aggregate classification (germline): Uncertain significance (1 of 4 stars; one submission).

Conditions:
Mitochondrial complex V (ATP synthase) deficiency, nuclear type 1. Also called: Nuclear-Encoded ATPase Deficiency, ATPAF2-Related; MITOCHONDRIAL COMPLEX V (ATP SYNTHASE) DEFICIENCY, ATPAF2 TYPE. Identifiers: Orphanet 254913, MedGen C3276276, MONDO:0011421, OMIM 604273.

Submission:

Baylor Genetics
Classification: Uncertain significance for Mitochondrial complex V (ATP synthase) deficiency, nuclear type 1. Last evaluated: 2019-07-19. Review status: criteria provided, single submitter. Criteria: ACMG Guidelines, 2015. Collection method: clinical testing. Allele origin: unknown. Affected: yes.
Comment: This variant was determined to be of uncertain significance according to ACMG Guidelines, 2015 [PMID:25741868].